The following is an entry in ClinVar:

ClinVar aggregate classification (germline): Uncertain significance (1 of 4 stars; one submission).

Conditions:
Hereditary cancer-predisposing syndrome. Also called: Neoplastic Syndromes, Hereditary; Tumor predisposition; Hereditary neoplastic syndrome; Hereditary Cancer Syndrome. Identifiers: Orphanet 140162, MedGen C0027672, MeSH D009386, MONDO:0015356.

gnomAD v4.1: 1 of 1,614,134 alleles (0.000062%); highest among the groups gnomAD compares: South Asian, 0.0011%; no homozygotes.

Submission:

Ambry Genetics
Classification: Uncertain significance for Hereditary cancer-predisposing syndrome. Last evaluated: 2026-07-07. Review status: criteria provided, single submitter. Criteria: Ambry Variant Classification Scheme 2023. Collection method: clinical testing. Allele origin: germline.
Comment: The p.L413V variant (also known as c.1237C>G), located in coding exon 8 of the MEN1 gene, results from a C to G substitution at nucleotide position 1237. The leucine at codon 413 is replaced by valine, an amino acid with highly similar properties. This amino acid position is conserved. In addition, the in silico prediction for this alteration is inconclusive. Based on the available evidence, the clinical significance of this variant remains unclear.

NM_001370259.2(MEN1):c.1237C>G (p.Leu413Val)

Gene: MEN1 (menin 1; minus strand). Cytogenetic location: 11q13.1.
Variant type: single nucleotide variant.
Coding change: c.1237C>G on transcript NM_001370259.2 (MANE Select); coding-DNA position 1237, C replaced by G.
Protein change: p.Leu413Val; replaces leucine 413 with valine.
Molecular consequence: missense variant. On other transcripts: non-coding transcript variant (4), intron variant (1).
Genome position (GRCh38, 1-based): chr11:64,805,147, G>C on the plus strand (C>G on the coding strand, the complement: MEN1 is on the minus strand). VCF-style: chr11-64805147-G-C. GRCh37 (hg19) VCF-style: chr11-64572619-G-C.
Other names: c.1252C>G, p.Leu418Val (NM_000244.4, NM_130800.3, NM_130801.3 and 4 more transcripts); c.1363C>G, p.Leu455Val (NM_001370251.2, NM_001407142.1, NM_001407143.1 and 1 more transcripts); c.1237C>G, p.Leu413Val (NM_001370260.2, NM_001370261.2, NM_001407146.1 and 2 more transcripts); c.1132C>G, p.Leu378Val (NM_001370262.2, NM_001370263.2, NM_001407148.1 and 1 more transcripts); c.1378C>G, p.Leu460Val (NM_001407150.1); c.1258C>G, p.Leu420Val (NM_001407151.1); c.1186-331C>G (NM_001407152.1); short protein forms L420V, L455V, L460V, L378V, L418V, L413V.
Identifiers: ClinVar variation 5024290 (VCV005024290.1).